The following is an entry in ClinVar:

ClinVar aggregate classification (germline): Pathogenic/Likely pathogenic. Review status: criteria provided, multiple submitters, no conflicts (2 of 4 stars). 5 submissions from 5 submitters: Pathogenic (3); Likely pathogenic (1). 1 of the submissions does not count toward it. Last evaluated 2025-10-27.

Conditions:
Glycogen storage disease, type IV (GSD4). Also called: Glycogen storage disease due to glycogen branching enzyme deficiency; AMYLOPECTINOSIS; ANDERSEN DISEASE; BRANCHER DEFICIENCY; CIRRHOSIS, FAMILIAL, WITH DEPOSITION OF ABNORMAL GLYCOGEN; GBE1 DEFICIENCY. Identifiers: Orphanet 367, MedGen C0017923, MONDO:0009292, OMIM 232500.
Glycogen storage disease IV, classic hepatic. Also called: GSD IV, CLASSIC HEPATIC. Identifiers: MedGen C1856301.
Adult polyglucosan body disease (APBN). Also called: GBE1-Adult Polyglucosan Body Disease; POLYGLUCOSAN BODY DISEASE, ADULT FORM. Identifiers: Orphanet 206583, MedGen C1849722, MONDO:0009897, OMIM 263570.

gnomAD v4.1: 1 of 1,605,730 alleles (0.000062%); no homozygotes.

Submissions (5):

Medical Genetic Diagnosis and Therapy Center, Fujian Medical University
Classification: Pathogenic for Glycogen storage disease, type IV. Last evaluated: 2025-10-27. Review status: criteria provided, single submitter. Criteria: ACMG Guidelines, 2015. Collection method: clinical testing. Allele origin: germline. Affected: yes.
Comment: P: PVS1+PM2+PM3. This variant has not been reported to our knowlwdge.

Labcorp Genetics (formerly Invitae), Labcorp
Classification: Pathogenic for Glycogen storage disease, type IV; Glycogen storage disease IV, classic hepatic. Last evaluated: 2025-03-30. Review status: criteria provided, single submitter. Criteria: Invitae Variant Classification Sherloc (09022015). Collection method: clinical testing. Allele origin: germline.
Comment: This sequence change affects a donor splice site in intron 1 of the GBE1 gene. It is expected to disrupt RNA splicing. Variants that disrupt the donor or acceptor splice site typically lead to a loss of protein function (PMID: 16199547), and loss-of-function variants in GBE1 are known to be pathogenic (PMID: 15452297, 20058079). This variant is not present in population databases (gnomAD no frequency). Disruption of this splice site has been observed in individual(s) with glycogen storage disease IV (PMID: 15452297). ClinVar contains an entry for this variant (Variation ID: 1066767). Algorithms developed to predict the effect of sequence changes on RNA splicing suggest that this variant may disrupt the consensus splice site. For these reasons, this variant has been classified as Pathogenic.

Baylor Genetics
Classification: Likely pathogenic for Glycogen storage disease, type IV. Last evaluated: 2023-02-27. Review status: criteria provided, single submitter. Criteria: ACMG Guidelines, 2015. Collection method: clinical testing. Allele origin: unknown.

Juno Genomics, Hangzhou Juno Genomics, Inc
Classification: Pathogenic for Glycogen storage disease, type IV; Adult polyglucosan body disease. Review status: criteria provided, single submitter. Criteria: ACMG Guidelines, 2015. Collection method: clinical testing. Allele origin: germline.
Comment: Absent from controls (or at extremely low frequency if recessive) in Genome Aggregation Database.;Null variant in a gene where loss of function (LOF) is a known mechanism of disease.;Same amino acid change as a previously established pathogenic variant regardless of nucleotide change.

Natera, Inc.
Classification: Likely pathogenic for Glycogen storage disease type IV. Last evaluated: 2020-09-28. Review status: no assertion criteria provided. Collection method: clinical testing. Allele origin: germline. Not counted in ClinVar's aggregate classification.

Literature cited by the submitters: PubMed 16199547 (cited by Labcorp Genetics (formerly Invitae), Labcorp); PubMed 15452297 (cited by Labcorp Genetics (formerly Invitae), Labcorp); PubMed 20058079 (cited by Labcorp Genetics (formerly Invitae), Labcorp).

NM_000158.4(GBE1):c.143+2T>C

Gene: GBE1 (1,4-alpha-glucan branching enzyme 1; minus strand). Cytogenetic location: 3p12.2.
Variant type: single nucleotide variant.
Coding change: c.143+2T>C on transcript NM_000158.4 (MANE Select); the canonical splice donor site of the intron after coding-DNA position 143, T replaced by C.
Molecular consequence: splice donor variant.
Genome position (GRCh38, 1-based): chr3:81,761,373, A>G on the plus strand (T>C on the coding strand, the complement: GBE1 is on the minus strand). VCF-style: chr3-81761373-A-G. GRCh37 (hg19) VCF-style: chr3-81810524-A-G.
Identifiers: ClinVar variation 1066767 (VCV001066767.10), dbSNP rs2107250439, ClinGen allele CA353686835.